The following is an entry in ClinVar:

ClinVar aggregate classification (germline): Likely benign (1 of 4 stars; one submission).

Submission:

CeGaT Center for Human Genetics Tuebingen
Classification: Likely benign. Last evaluated: 2025-09-01. Review status: criteria provided, single submitter. Criteria: CeGaT Center For Human Genetics Tuebingen Variant Classification Criteria Version 2. Collection method: clinical testing. Allele origin: germline. Affected: yes. Observed: 1 variant allele.
Comment: DCLRE1C: PM2:Supporting, BP4, BP7

NM_001033855.3(DCLRE1C):c.1944T>G (p.Ser648=)

Gene: DCLRE1C (DNA cross-link repair 1C; minus strand). Cytogenetic location: 10p13.
Variant type: single nucleotide variant.
Coding change: c.1944T>G on transcript NM_001033855.3 (MANE Select); coding-DNA position 1944, T replaced by G.
Protein change: p.Ser648=; no amino-acid change (serine 648 retained).
Molecular consequence: synonymous variant. On other transcripts: non-coding transcript variant (3), intron variant (3).
Genome position (GRCh38, 1-based): chr10:14,908,543, A>C on the plus strand (T>G on the coding strand, the complement: DCLRE1C is on the minus strand). VCF-style: chr10-14908543-A-C. GRCh37 (hg19) VCF-style: chr10-14950542-A-C.
Other names: c.1584T>G, p.Ser528= (NM_001033857.3, NM_001033858.3, NM_001289077.2 and 1 more transcripts); c.1599T>G, p.Ser533= (NM_001289076.2, NM_001289078.2, NM_022487.4); c.1437+162T>G (NM_001350966.2); c.1782+162T>G (NM_001350965.2); c.1422+162T>G (NM_001350967.2).
Identifiers: ClinVar variation 4281488 (VCV004281488.7).